The following is an entry in ClinVar:

NM_007294.4(BRCA1):c.2967T>A (p.Phe989Leu)

Gene: BRCA1 (BRCA1 DNA repair associated; minus strand). Cytogenetic location: 17q21.31.
Variant type: single nucleotide variant.
Coding change: c.2967T>A on transcript NM_007294.4 (MANE Select); coding-DNA position 2967, T replaced by A.
Protein change: p.Phe989Leu; replaces phenylalanine 989 with leucine.
Molecular consequence: missense variant. On other transcripts: intron variant (137).
Genome position (GRCh38, 1-based): chr17:43,092,564, A>T on the plus strand (T>A on the coding strand, the complement: BRCA1 is on the minus strand). VCF-style: chr17-43092564-A-T. GRCh37 (hg19) VCF-style: chr17-41244581-A-T.
Other names: 3086T>A; c.2700T>A, p.Phe900Leu (NM_001407930.1, NM_001407931.1, NM_001407932.1 and 2 more transcripts); c.2703T>A, p.Phe901Leu (NM_001407933.1, NM_001407935.1, NM_001407927.1 and 9 more transcripts); c.2634T>A, p.Phe878Leu (NM_001407946.1, NM_001407947.1, NM_001407948.1 and 6 more transcripts); c.2631T>A, p.Phe877Leu (NM_001407954.1, NM_001407955.1, NM_001407956.1 and 1 more transcripts); c.2079T>A, p.Phe693Leu (NM_001407966.1, NM_001407967.1); c.2826T>A, p.Phe942Leu (NM_007297.4, NM_001407692.1, NM_001407694.1 and 29 more transcripts); c.2967T>A, p.Phe989Leu (NM_007300.4, NM_001407581.1, NM_001407582.1 and 30 more transcripts); and 42 more; short protein forms F989L, F942L, F862L, F919L, F947L, F986L, F988L, F693L.
Identifiers: ClinVar variation 231629 (VCV000231629.34), dbSNP rs876659270, ClinGen allele CA10580587.

ClinVar aggregate classification (germline): Conflicting classifications of pathogenicity. Review status: criteria provided, conflicting classifications (1 of 4 stars). 12 submissions from 12 submitters: Uncertain significance (8); Likely benign (2). 2 of the submissions do not count toward it. Last evaluated 2026-01-27.

Conditions:
Breast-ovarian cancer, familial, susceptibility to, 1 (BROVCA1). Also called: BRCA1 Hereditary Breast and Ovarian Cancer; OVARIAN CANCER, SUSCEPTIBILITY TO. Identifiers: Orphanet 145, MedGen C2676676, MONDO:0011450, OMIM 604370. Disease mechanism: loss of function.
Hereditary cancer-predisposing syndrome. Also called: Tumor predisposition; Hereditary Cancer Syndrome; Neoplastic Syndromes, Hereditary; Hereditary neoplastic syndrome. Identifiers: Orphanet 140162, MedGen C0027672, MeSH D009386, MONDO:0015356.
Hereditary breast ovarian cancer syndrome. Also called: Breast and ovarian cancer; Hereditary breast and ovarian cancer; Hereditary breast and ovarian cancer syndrome; Hereditary breast and/or ovarian cancer syndrome; BRCA1- and BRCA2-Associated Hereditary Breast and Ovarian Cancer; Hereditary breast and ovarian cancer syndrome (HBOC). Identifiers: Orphanet 145, MedGen C0677776, MeSH D061325, MONDO:0003582. Disease mechanism: loss of function.
Familial cancer of breast. Also called: BREAST CANCER, FAMILIAL; hereditary breast carcinoma; Hereditary breast cancer. Identifiers: Orphanet 227535, MedGen C0346153, MONDO:0016419, OMIM 114480. Disease mechanism: loss of function.
Fanconi anemia, complementation group S (FANCS). Identifiers: MedGen C4554406, MONDO:0054748, OMIM 617883.
BRCA1-related cancer predisposition. Identifiers: MedGen CN377757, MONDO:0700268.

gnomAD v4.1: 1 of 1,614,118 alleles (0.000062%); no homozygotes.

Submissions (12):

Labcorp Genetics (formerly Invitae), Labcorp
Classification: Uncertain significance for Hereditary breast ovarian cancer syndrome. Last evaluated: 2026-01-27. Review status: criteria provided, single submitter. Criteria: Invitae Variant Classification Sherloc (09022015). Collection method: clinical testing. Allele origin: germline.
Comment: This sequence change replaces phenylalanine, which is neutral and non-polar, with leucine, which is neutral and non-polar, at codon 989 of the BRCA1 protein (p.Phe989Leu). This variant is not present in population databases (gnomAD no frequency). This missense change has been observed in individual(s) with breast cancer (PMID: 21218378, 27443514). ClinVar contains an entry for this variant (Variation ID: 231629). Invitae Evidence Modeling of protein sequence and biophysical properties (such as structural, functional, and spatial information, amino acid conservation, physicochemical variation, residue mobility, and thermodynamic stability) indicates that this missense variant is not expected to disrupt BRCA1 protein function with a negative predictive value of 80%. In summary, the available evidence is currently insufficient to determine the role of this variant in disease. Therefore, it has been classified as a Variant of Uncertain Significance.

Women's Health and Genetics/Laboratory Corporation of America, LabCorp
Classification: Uncertain significance. Last evaluated: 2025-05-13. Review status: criteria provided, single submitter. Criteria: LabCorp Variant Classification Summary - May 2015. Collection method: clinical testing. Allele origin: germline.
Comment: Variant summary: BRCA1 c.2967T>A (p.Phe989Leu) results in a non-conservative amino acid change in the encoded protein sequence. Algorithms developed to predict the effect of missense changes on protein structure and function are either unavailable or do not agree on the potential impact of this missense change. The variant was absent in 250564 control chromosomes. The available data on variant occurrences in the general population are insufficient to allow any conclusion about variant significance. c.2967T>A has been observed in individual(s) affected with Hereditary Breast And Ovarian Cancer Syndrome (Carney_2010, Ring_2016). These report(s) do not provide unequivocal conclusions about association of the variant with Hereditary Breast And Ovarian Cancer Syndrome. To our knowledge, no experimental evidence demonstrating an impact on protein function has been reported. The following publications have been ascertained in the context of this evaluation (PMID: 21218378, 27443514). ClinVar contains an entry for this variant (Variation ID: 231629). Based on the evidence outlined above, the variant was classified as uncertain significance.

Quest Diagnostics Nichols Institute San Juan Capistrano
Classification: Uncertain significance. Last evaluated: 2024-10-22. Review status: criteria provided, single submitter. Criteria: Quest Diagnostics criteria. Collection method: clinical testing. Allele origin: unknown.
Comment: The BRCA1 c.2967T>A (p.Phe989Leu) variant has been reported in the published literature in individuals affected with breast cancer (PMID: 21218378 (2010)) and endometrial cancer (PMID: 27443514 (2016)) and is described to be located in a region of the BRCA1 gene that is tolerant to missense sequence changes (PMID: 31911673 (2020)). This variant has not been reported in large, multi-ethnic general populations (Genome Aggregation Database). Analysis of this variant using bioinformatics tools for the prediction of the effect of amino acid changes on protein structure and function yielded predictions that this variant is benign. Based on the available information, we are unable to determine the clinical significance of this variant.

All of Us Research Program, National Institutes of Health
Classification: Uncertain significance for BRCA1-related cancer predisposition. Last evaluated: 2024-07-29. Review status: criteria provided, single submitter. Criteria: ACMG Guidelines, 2015. Collection method: clinical testing. Allele origin: germline. Inheritance: Autosomal dominant inheritance. Observed: 3 variant alleles, 3 heterozygotes.
Comment: This missense variant replaces phenylalanine with leucine at codon 989 of the BRCA1 protein. Computational prediction suggests that this variant may not impact protein structure and function (internally defined REVEL score threshold <= 0.5, PMID: 27666373). To our knowledge, functional studies have not been reported for this variant. This variant has been reported in one individual each affected with breast cancer or endometrial cancer (PMID: 21218378, 27443514). This variant has not been identified in the general population by the Genome Aggregation Database (gnomAD). The available evidence is insufficient to determine the role of this variant in disease conclusively. Therefore, this variant is classified as a Variant of Uncertain Significance.

This study involves interpretation of variants in research participants for the purpose of population health screening. Participant phenotype was not available at the time of variant classification. Additional details can be found in publication PMID: 35346344, PMCID: PMC8962531

Color Diagnostics, LLC DBA Color Health
Classification: Uncertain significance for Hereditary cancer-predisposing syndrome. Last evaluated: 2024-06-05. Review status: criteria provided, single submitter. Criteria: ACMG Guidelines, 2015. Collection method: clinical testing. Allele origin: germline.
Comment: This missense variant replaces phenylalanine with leucine at codon 989 of the BRCA1 protein. Computational prediction suggests that this variant may not impact protein structure and function. To our knowledge, functional studies have not been reported for this variant. This variant has been reported in one individual each affected with breast cancer or endometrial cancer (PMID: 21218378, 27443514). This variant has not been identified in the general population by the Genome Aggregation Database (gnomAD). The available evidence is insufficient to determine the role of this variant in disease conclusively. Therefore, this variant is classified as a Variant of Uncertain Significance.

Ambry Genetics
Classification: Uncertain significance for Hereditary cancer-predisposing syndrome. Last evaluated: 2024-01-01. Review status: criteria provided, single submitter. Criteria: Ambry Variant Classification Scheme 2023. Collection method: clinical testing. Allele origin: germline.
Comment: The p.F989L variant (also known as c.2967T>A), located in coding exon 9 of the BRCA1 gene, results from a T to A substitution at nucleotide position 2967. The phenylalanine at codon 989 is replaced by leucine, an amino acid with highly similar properties. This amino acid position is poorly conserved in available vertebrate species. In addition, this alteration is predicted to be tolerated by in silico analysis. Since supporting evidence is limited at this time, the clinical significance of this alteration remains unclear.

Myriad Genetics, Inc.
Classification: Likely benign for Breast-ovarian cancer, familial, susceptibility to, 1. Last evaluated: 2023-06-13. Review status: criteria provided, single submitter. Criteria: Myriad Autosomal Dominant, Autosomal Recessive and X-Linked Classification Criteria (2023). Collection method: clinical testing. Allele origin: unknown.
Comment: This variant is considered likely benign. This variant is strongly associated with less severe personal and family histories of cancer, typical for individuals without pathogenic variants in this gene [PMID: 25085752].

University of Washington Department of Laboratory Medicine, University of Washington
Classification: Likely benign for Hereditary cancer-predisposing syndrome. Last evaluated: 2023-03-23. Review status: criteria provided, single submitter. Criteria: Dines et al. (Genet Med. 2020). Collection method: curation. Allele origin: germline.
Comment: Missense variant in a coldspot region where missense variants are very unlikely to be pathogenic (PMID:31911673).

BRCA1 coldspot (exon 11 using historical exon numbering). Reclassification based on statistical prior probability

Department of Pathology and Laboratory Medicine, Sinai Health System
Classification: Uncertain significance for Familial cancer of breast; Breast-ovarian cancer, familial, susceptibility to, 1; Fanconi anemia, complementation group S. Last evaluated: 2023-03-06. Review status: criteria provided, single submitter. Criteria: ACMG Guidelines, 2015. Collection method: clinical testing. Allele origin: germline. Affected: yes.

GeneDx
Classification: Uncertain significance. Last evaluated: 2016-03-10. Review status: criteria provided, single submitter. Criteria: GeneDx Variant Classification (06012015). Collection method: clinical testing. Allele origin: germline. Affected: yes.
Comment: This variant is denoted BRCA1 c.2967T>A at the cDNA level, p.Phe989Leu (F989L) at the protein level, and results in the change of a Phenylalanine to a Leucine (TTT>TTA). Using alternate nomenclature, this variant would be defined as BRCA1 3086T>A. This variant was observed in 1/273 individuals with personal and/or family histories suspicious for Hereditary Breast and Ovarian Cancer (Carney 2010). BRCA1 Phe989Leu was not observed in approximately 6,500 individuals of European and African American ancestry in the NHLBI Exome Sequencing Project, indicating it is not a common benign variant in these populations. Since Phenylalanine and Leucine share similar properties, this is considered a conservative amino acid substitution. BRCA1 Phe989Leu occurs at a position that is not conserved and is located in the DNA binding domain (Narod 2004) In silico analyses predict that this variant is unlikely to alter protein structure or function. Based on currently available information, it is unclear whether BRCA1 Phe989Leu is pathogenic or benign. We consider it to be a variant of uncertain significance.

Counsyl
Classification: Uncertain significance for Breast-ovarian cancer, familial, susceptibility to, 1. Last evaluated: 2016-10-19. Review status: no assertion criteria provided. Collection method: clinical testing. Allele origin: unknown. Not counted in ClinVar's aggregate classification.

Sharing Clinical Reports Project (SCRP)
Classification: Uncertain significance for Breast-ovarian cancer, familial 1. Last evaluated: 2014-02-07. Review status: no assertion criteria provided. Collection method: clinical testing. Allele origin: germline. Not counted in ClinVar's aggregate classification.

Literature cited by the submitters: PubMed 21218378 (cited by 7 submitters); PubMed 27443514 (cited by 7 submitters); PubMed 31911673 (cited by Quest Diagnostics Nichols Institute San Juan Capistrano); PubMed 25085752 (cited by Myriad Genetics, Inc.); PubMed 2118378 (cited by Department of Pathology and Laboratory Medicine, Sinai Health System).